The following is an entry in ClinVar:

NM_005689.4(ABCB6):c.2122G>T (p.Ala708Ser)

Gene: ABCB6 (ATP binding cassette subfamily B member 6 (LAN blood group); minus strand). Cytogenetic location: 2q35.
Variant type: single nucleotide variant.
Coding change: c.2122G>T on transcript NM_005689.4 (MANE Select); coding-DNA position 2122, G replaced by T.
Protein change: p.Ala708Ser; replaces alanine 708 with serine.
Molecular consequence: missense variant.
Genome position (GRCh38, 1-based): chr2:219,210,955, C>A on the plus strand (G>T on the coding strand, the complement: ABCB6 is on the minus strand). VCF-style: chr2-219210955-C-A. GRCh37 (hg19) VCF-style: chr2-220075677-C-A.
Other names: c.1984G>T, p.Ala662Ser (NM_001349828.2); short protein forms A662S, A708S.
Identifiers: ClinVar variation 4700750 (VCV004700750.1).

ClinVar aggregate classification (germline): Uncertain significance (1 of 4 stars; one submission).

gnomAD v4.1: 3 of 1,614,196 alleles (0.00019%); highest among the groups gnomAD compares: Non-Finnish European, 0.00017%; no homozygotes.

Submission:

Labcorp Genetics (formerly Invitae), Labcorp
Classification: Uncertain significance. Last evaluated: 2025-02-11. Review status: criteria provided, single submitter. Criteria: Invitae Variant Classification Sherloc (09022015). Collection method: clinical testing. Allele origin: germline.
Comment: This sequence change replaces alanine, which is neutral and non-polar, with serine, which is neutral and polar, at codon 708 of the ABCB6 protein (p.Ala708Ser). This variant is not present in population databases (gnomAD no frequency). This variant has not been reported in the literature in individuals affected with ABCB6-related conditions. An algorithm developed to predict the effect of missense changes on protein structure and function outputs the following: PolyPhen-2: "Benign". The serine amino acid residue is found in multiple mammalian species, which suggests that this missense change does not adversely affect protein function. In summary, the available evidence is currently insufficient to determine the role of this variant in disease. Therefore, it has been classified as a Variant of Uncertain Significance.